The following is an entry in ClinVar:

ClinVar aggregate classification (germline): Uncertain significance (1 of 4 stars; one submission).

Submission:

CeGaT Center for Human Genetics Tuebingen
Classification: Uncertain significance. Last evaluated: 2024-10-01. Review status: criteria provided, single submitter. Criteria: CeGaT Center For Human Genetics Tuebingen Variant Classification Criteria Version 2. Collection method: clinical testing. Allele origin: germline. Affected: yes. Observed: 1 variant allele.
Comment: MYH10: PM2, PP3

NM_001256012.3(MYH10):c.2882G>A (p.Arg961Lys)

Gene: MYH10 (myosin heavy chain 10; minus strand). Cytogenetic location: 17p13.1.
Variant type: single nucleotide variant.
Coding change: c.2882G>A on transcript NM_001256012.3 (MANE Select); coding-DNA position 2882, G replaced by A.
Protein change: p.Arg961Lys; replaces arginine 961 with lysine.
Molecular consequence: missense variant.
Genome position (GRCh38, 1-based): chr17:8,512,521, C>T on the plus strand (G>A on the coding strand, the complement: MYH10 is on the minus strand). VCF-style: chr17-8512521-C-T. GRCh37 (hg19) VCF-style: chr17-8415839-C-T.
Other names: c.2816G>A, p.Arg939Lys (NM_001256095.2); c.2819G>A, p.Arg940Lys (NM_001375266.1); c.2789G>A, p.Arg930Lys (NM_005964.5); short protein forms R930K, R939K, R940K, R961K.
Identifiers: ClinVar variation 3389809 (VCV003389809.14).